The following is an entry in ClinVar:

ClinVar aggregate classification (germline): Uncertain significance (1 of 4 stars; one submission).

Conditions:
MELAS syndrome (MELAS). Also called: Juvenile myopathy, encephalopathy, lactic acidosis, stroke. Identifiers: Orphanet 550, MedGen C0162671, MONDO:0010789, OMIM 540000.

Submission:

Wong Mito Lab, Molecular and Human Genetics, Baylor College of Medicine
Classification: Uncertain significance for MELAS syndrome. Last evaluated: 2019-07-12. Review status: criteria provided, single submitter. Criteria: Modified ACMG Guidelines (Unpublished). Collection method: clinical testing. Allele origin: germline.
Comment: The NC_012920.1:m.5864G>A variant in MT-TY gene is interpreted to be a Unknown Significance variant based on the modified ACMG guidelines (unpublished). This variant meets the following evidence codes reported in the guidelines: BP4

Literature cited by the submitters: PubMed 31965079.

NC_012920.1(MT-TY):m.5864G>A

Gene: MT-TY (mitochondrially encoded tRNA tyrosine; minus strand).
Variant type: single nucleotide variant.
Genome position: chrM-5864-G-A.
Identifiers: ClinVar variation 690019 (VCV000690019.1), dbSNP rs1603220158, ClinGen allele CA913180702.